The following is an entry in ClinVar:

NM_000035.4(ALDOB):c.934G>A (p.Ala312Thr)

Gene: ALDOB (aldolase, fructose-bisphosphate B; minus strand). Cytogenetic location: 9q31.1.
Variant type: single nucleotide variant.
Coding change: c.934G>A on transcript NM_000035.4 (MANE Select); coding-DNA position 934, G replaced by A.
Protein change: p.Ala312Thr; replaces alanine 312 with threonine.
Molecular consequence: missense variant.
Genome position (GRCh38, 1-based): chr9:101,424,908, C>T on the plus strand (G>A on the coding strand, the complement: ALDOB is on the minus strand). VCF-style: chr9-101424908-C-T. GRCh37 (hg19) VCF-style: chr9-104187190-C-T.
Other names: short protein forms A312T.
Identifiers: ClinVar variation 2092681 (VCV002092681.4), dbSNP rs2490118612, ClinGen allele CA374264320.
Genomic context (GRCh38, chr9:101,424,908, plus strand): 5'-CCCGCTTCATAAAAGCCTCCTGGGTTGCCTCCTTGTTTGCAGCCTTGCCACCCCAGGCAG[C>T]CAGTGCACTGGCCTGCAGGGCCCGTCCATAAGAGAAACTTAGTTTCCAGGGCTTTGGTAG-3'
Protein context (NP_000026.2, residues 302-322): YGRALQASAL[Ala312Thr]AWGGKAANKE

ClinVar aggregate classification (germline): Uncertain significance (1 of 4 stars; one submission).

Conditions:
Hereditary fructosuria. Also called: Fructose intolerance; ALDOB DEFICIENCY; ALDOLASE B DEFICIENCY; FRUCTOSE-1,6-BISPHOSPHATE ALDOLASE B DEFICIENCY; FRUCTOSE-1-PHOSPHATE ALDOLASE DEFICIENCY; FRUCTOSEMIA. Identifiers: Orphanet 469, MedGen C0016751, MONDO:0009249, OMIM 229600, HP:0005973. Disease mechanism: loss of function.

Submission:

Labcorp Genetics (formerly Invitae), Labcorp
Classification: Uncertain significance for Hereditary fructosuria. Last evaluated: 2022-07-19. Review status: criteria provided, single submitter. Criteria: Invitae Variant Classification Sherloc (09022015). Collection method: clinical testing. Allele origin: germline.
Comment: This variant is not present in population databases (gnomAD no frequency). This sequence change replaces alanine, which is neutral and non-polar, with threonine, which is neutral and polar, at codon 312 of the ALDOB protein (p.Ala312Thr). This variant has not been reported in the literature in individuals affected with ALDOB-related conditions. Algorithms developed to predict the effect of missense changes on protein structure and function (SIFT, PolyPhen-2, Align-GVGD) all suggest that this variant is likely to be tolerated. In summary, the available evidence is currently insufficient to determine the role of this variant in disease. Therefore, it has been classified as a Variant of Uncertain Significance.